The following is an entry in ClinVar:

ClinVar aggregate classification (germline): Conflicting classifications of pathogenicity. Review status: criteria provided, conflicting classifications (1 of 4 stars). 3 submissions from 3 submitters: Uncertain significance (2); Likely benign (1). Last evaluated 2025-11-03.

Conditions:
Cardiovascular phenotype. Identifiers: MedGen CN230736.

gnomAD v4.1: 52 of 1,613,358 alleles (0.0032%); highest among the groups gnomAD compares: African/African-American, 0.029%; no homozygotes.

Submissions (3):

Ambry Genetics
Classification: Likely benign for Cardiovascular phenotype. Last evaluated: 2025-11-03. Review status: criteria provided, single submitter. Criteria: Ambry Variant Classification Scheme 2023. Collection method: clinical testing. Allele origin: germline.

Mayo Clinic Laboratories, Mayo Clinic
Classification: Uncertain significance. Last evaluated: 2025-10-17. Review status: criteria provided, single submitter. Criteria: ACMG Guidelines, 2015. Collection method: clinical testing. Allele origin: germline. Observed: 1 variant allele.
Comment: BP4_moderate

Women's Health and Genetics/Laboratory Corporation of America, LabCorp
Classification: Uncertain significance. Last evaluated: 2025-09-24. Review status: criteria provided, single submitter. Criteria: LabCorp Variant Classification Summary - May 2015. Collection method: clinical testing. Allele origin: germline.
Comment: Variant summary: TNXB c.8338A>G (p.Met2780Val) results in a conservative amino acid change in the encoded protein sequence. Algorithms developed to predict the effect of missense changes on protein structure and function all suggest that this variant is likely to be tolerated. The variant allele was found at a frequency of 5.7e-05 in 246776 control chromosomes. This frequency is not significantly higher than estimated for disease-causing variants in TNXB, allowing no conclusion about variant significance. To our knowledge, no occurrence of c.8338A>G in individuals affected with TNXB-related conditions and no experimental evidence demonstrating its impact on protein function have been reported. ClinVar contains an entry for this variant (Variation ID: 3327947). Based on the evidence outlined above, the variant was classified as uncertain significance.

NM_001365276.2(TNXB):c.8338A>G (p.Met2780Val)

Gene: TNXB (tenascin XB; minus strand). Cytogenetic location: 6p21.33.
Variant type: single nucleotide variant.
Coding change: c.8338A>G on transcript NM_001365276.2 (MANE Select); coding-DNA position 8338, A replaced by G.
Protein change: p.Met2780Val; replaces methionine 2780 with valine.
Molecular consequence: missense variant.
Genome position (GRCh38, 1-based): chr6:32,055,980, T>C on the plus strand (A>G on the coding strand, the complement: TNXB is on the minus strand). VCF-style: chr6-32055980-T-C. GRCh37 (hg19) VCF-style: chr6-32023757-T-C.
Other names: p.Met2780Val; c.8338A>G, p.Met2780Val (NM_019105.8); short protein forms M2780V.
Identifiers: ClinVar variation 3327947 (VCV003327947.3).